The following is an entry in ClinVar:

ClinVar aggregate classification (germline): Conflicting classifications of pathogenicity. Review status: criteria provided, conflicting classifications (1 of 4 stars). 6 submissions from 6 submitters: Uncertain significance (4); Likely benign (1). 1 of the submissions does not count toward it. Last evaluated 2026-07-01.

Conditions:
Inborn genetic diseases. Identifiers: MedGen C0950123, MeSH D030342.
Cohen syndrome (COH1). Also called: Cutis verticis gyrata, retinitis pigmentosa, and sensorineural deafness; PEPPER SYNDROME. Identifiers: Orphanet 193, MedGen C0265223, MONDO:0008999, OMIM 216550.
VPS13B-related disorder. Also called: VPS13B-related condition.

Allele frequency attached by ClinVar (database versions not stated): TOPMed below 0.00001; gnomAD 0.00005; gnomAD exomes 0.00007 and 0.00013; 1000 Genomes Project 30x 0.00016; ExAC 0.00016; 1000 Genomes Project 0.00020.
gnomAD v4.1: 117 of 1,613,794 alleles (0.0072%); highest among the groups gnomAD compares: South Asian, 0.12%; 1 homozygote.

Submissions (6):

PreventionGenetics, part of Exact Sciences
Classification: Uncertain significance for VPS13B-related condition. Last evaluated: 2026-07-01. Review status: criteria provided, single submitter. Criteria: ACMG Guidelines, 2015. Collection method: clinical testing. Allele origin: germline.
Comment: The VPS13B c.9035C>G variant is predicted to result in the amino acid substitution p.Thr3012Ser. This variant has been reported as a variant of uncertain significance in an individual with autism (Mercati et al. 2017. PubMed ID: 27166760). This variant is reported in 0.10% of alleles in individuals of South Asian descent in gnomAD and has conflicting interpretations of pathogenicity ranging from benign to uncertain in ClinVar (Variation ID: 1114508). Although we suspect that this variant may be benign, at this time, the clinical significance of this variant is uncertain due to the absence of conclusive functional and genetic evidence.

Labcorp Genetics (formerly Invitae), Labcorp
Classification: Likely benign for Cohen syndrome. Last evaluated: 2025-12-30. Review status: criteria provided, single submitter. Criteria: Invitae Variant Classification Sherloc (09022015). Collection method: clinical testing. Allele origin: germline.

Blueprint Genetics
Classification: Uncertain significance. Last evaluated: 2024-09-05. Review status: criteria provided, single submitter. Criteria: ACMG Guidelines, 2015. Collection method: clinical testing. Allele origin: germline.

Ambry Genetics
Classification: Uncertain significance for Inborn genetic diseases. Last evaluated: 2024-01-24. Review status: criteria provided, single submitter. Criteria: Ambry Variant Classification Scheme 2023. Collection method: clinical testing. Allele origin: germline.

Revvity Omics, Revvity
Classification: Uncertain significance for Cohen syndrome. Last evaluated: 2021-06-18. Review status: criteria provided, single submitter. Criteria: ACMG Guidelines, 2015. Collection method: clinical testing. Allele origin: germline.

Natera, Inc.
Classification: Benign for Cohen syndrome. Last evaluated: 2021-02-22. Review status: no assertion criteria provided. Collection method: clinical testing. Allele origin: germline. Not counted in ClinVar's aggregate classification.

NM_152564.5(VPS13B):c.9035C>G (p.Thr3012Ser)

Gene: VPS13B (vacuolar protein sorting 13 homolog B; plus strand). Cytogenetic location: 8q22.2.
Variant type: single nucleotide variant.
Coding change: c.9035C>G on transcript NM_152564.5 (MANE Select); coding-DNA position 9035, C replaced by G.
Protein change: p.Thr3012Ser; replaces threonine 3012 with serine.
Molecular consequence: missense variant.
Genome position (GRCh38, 1-based): chr8:99,821,334, C>G. VCF-style: chr8-99821334-C-G. GRCh37 (hg19) VCF-style: chr8-100833562-C-G.
Other names: c.9110C>G (NM_017890.3, NM_017890.4); c.9110C>G, p.Thr3037Ser (NM_017890.5); c.9035C>G (NM_152564.4); short protein forms T3012S, T3037S.
Identifiers: ClinVar variation 1114508 (VCV001114508.19), dbSNP rs576577339, ClinGen allele CA4824611.
Genomic context (GRCh38, chr8:99,821,334, plus strand): 5'-TTGAGGCATTATTTTTCCAGGAAGCTTTTCAAATTGGAATATACTGGGCAAATACAAACA[C>G]TGTGCACAAGTCAGTAGCAATTAAACTGGTCCATAACCTGACATCTCCAAAGTGGAAAGA-3'
Protein context (NP_689777.3, residues 3002-3022): QIGIYWANTN[Thr3012Ser]VHKSVAIKLV